The following is an entry in ClinVar:

ClinVar aggregate classification (germline): Pathogenic (1 of 4 stars; one submission).

Conditions:
Primary ciliary dyskinesia. Also called: Ciliary dyskinesia. Identifiers: Orphanet 244, MedGen C0008780, MONDO:0016575, HP:0012265.

gnomAD v4.1: 1 of 1,612,558 alleles (0.000062%); highest among the groups gnomAD compares: African/African-American, 0.0013%; no homozygotes.

Submission:

Labcorp Genetics (formerly Invitae), Labcorp
Classification: Pathogenic for Primary ciliary dyskinesia. Last evaluated: 2025-09-17. Review status: criteria provided, single submitter. Criteria: Invitae Variant Classification Sherloc (09022015). Collection method: clinical testing. Allele origin: germline.
Comment: This sequence change creates a premature translational stop signal (p.Trp1330*) in the DNAH11 gene. It is expected to result in an absent or disrupted protein product. Loss-of-function variants in DNAH11 are known to be pathogenic (PMID: 18022865, 20513915, 22184204). This variant is not present in population databases (gnomAD no frequency). This variant has not been reported in the literature in individuals affected with DNAH11-related conditions. Algorithms developed to predict the effect of sequence changes on RNA splicing suggest that this variant may disrupt the consensus splice site. For these reasons, this variant has been classified as Pathogenic.

Literature cited by the submitters: PubMed 18022865; PubMed 20513915; PubMed 22184204.

NM_001277115.2(DNAH11):c.3989G>A (p.Trp1330Ter)

Gene: DNAH11 (dynein axonemal heavy chain 11; plus strand). Cytogenetic location: 7p15.3.
Variant type: single nucleotide variant.
Coding change: c.3989G>A on transcript NM_001277115.2 (MANE Select); coding-DNA position 3989, G replaced by A.
Protein change: p.Trp1330Ter; replaces tryptophan 1330 with a stop codon.
Molecular consequence: nonsense.
Genome position (GRCh38, 1-based): chr7:21,615,250, G>A. VCF-style: chr7-21615250-G-A. GRCh37 (hg19) VCF-style: chr7-21654868-G-A.
Other names: short protein forms W1330*.
Identifiers: ClinVar variation 4808099 (VCV004808099.1).